The following is an entry in ClinVar:

ClinVar aggregate classification (germline): Uncertain significance. Review status: criteria provided, multiple submitters, no conflicts (2 of 4 stars). 3 submissions from 3 submitters: Uncertain significance (3). Last evaluated 2026-05-23.

Conditions:
CHARGE syndrome (CHARGE). Also called: Hittner Hirsch Kreh syndrome; CHARGE ASSOCIATION--COLOBOMA, HEART ANOMALY, CHOANAL ATRESIA, RETARDATION, GENITAL AND EAR ANOMALIES; Coloboma, heart anomaly, choanal atresia, retardation, genital and ear anomalies; CHARGE association; Hall-Hittner syndrome. Identifiers: Orphanet 138, MedGen C0265354, MONDO:0008965.
SEMA3E-related disorder. Also called: SEMA3E-related condition.
Hypogonadotropic hypogonadism 7 with or without anosmia (HH7). Also called: GNRHR-Related GnRH Deficiency; HYPOGONADOTROPIC HYPOGONADISM 7 WITHOUT ANOSMIA. Identifiers: Orphanet 432, MedGen C0342384, MONDO:0007794, OMIM 146110.

Allele frequency attached by ClinVar (database versions not stated): ExAC 0.00002; gnomAD exomes 0.00002; TOPMed 0.00003; gnomAD 0.00004 and 0.00005; ESP Exome Variant Server 0.00015; 1000 Genomes Project 30x 0.00016; 1000 Genomes Project 0.00020.
gnomAD v4.1: 33 of 1,614,136 alleles (0.002%); highest among the groups gnomAD compares: Middle Eastern, 0.016%; no homozygotes.

Submissions (3):

PreventionGenetics, part of Exact Sciences
Classification: Uncertain significance for SEMA3E-related condition. Last evaluated: 2026-05-23. Review status: criteria provided, single submitter. Criteria: ACMG Guidelines, 2015. Collection method: clinical testing. Allele origin: germline.
Comment: The SEMA3E c.2279G>A variant is predicted to result in the amino acid substitution p.Arg760His. To our knowledge, this variant has not been reported in the literature. This variant is reported in 0.0062% of alleles in individuals of African descent in gnomAD. At this time, the clinical significance of this variant is uncertain due to the absence of conclusive functional and genetic evidence.

Labcorp Genetics (formerly Invitae), Labcorp
Classification: Uncertain significance for CHARGE syndrome. Last evaluated: 2024-07-29. Review status: criteria provided, single submitter. Criteria: Invitae Variant Classification Sherloc (09022015). Collection method: clinical testing. Allele origin: germline.
Comment: This sequence change replaces arginine, which is basic and polar, with histidine, which is basic and polar, at codon 760 of the SEMA3E protein (p.Arg760His). This variant is present in population databases (rs143423970, gnomAD 0.007%). This variant has not been reported in the literature in individuals affected with SEMA3E-related conditions. ClinVar contains an entry for this variant (Variation ID: 1061205). An algorithm developed to predict the effect of missense changes on protein structure and function (PolyPhen-2) suggests that this variant is likely to be tolerated. In summary, the available evidence is currently insufficient to determine the role of this variant in disease. Therefore, it has been classified as a Variant of Uncertain Significance.

Fulgent Genetics
Classification: Uncertain significance for Hypogonadotropic hypogonadism 7 with or without anosmia; CHD7-related CHARGE syndrome. Last evaluated: 2022-01-17. Review status: criteria provided, single submitter. Criteria: ACMG Guidelines, 2015. Collection method: clinical testing. Allele origin: unknown.

NM_012431.3(SEMA3E):c.2279G>A (p.Arg760His)

Gene: SEMA3E (semaphorin 3E; minus strand). Cytogenetic location: 7q21.11.
Variant type: single nucleotide variant.
Coding change: c.2279G>A on transcript NM_012431.3 (MANE Select); coding-DNA position 2279, G replaced by A.
Protein change: p.Arg760His; replaces arginine 760 with histidine.
Molecular consequence: missense variant.
Genome position (GRCh38, 1-based): chr7:83,367,635, C>T on the plus strand (G>A on the coding strand, the complement: SEMA3E is on the minus strand). VCF-style: chr7-83367635-C-T. GRCh37 (hg19) VCF-style: chr7-82996951-C-T.
Other names: c.2099G>A, p.Arg700His (NM_001178129.2); c.2279G>A (NM_012431.2); short protein forms R700H, R760H.
Identifiers: ClinVar variation 1061205 (VCV001061205.9), dbSNP rs143423970, ClinGen allele CA4321794.